The following is an entry in ClinVar:

ClinVar aggregate classification (germline): Uncertain significance. Review status: criteria provided, multiple submitters, no conflicts (2 of 4 stars). 2 submissions from 2 submitters: Uncertain significance (2). Last evaluated 2023-06-10.

Conditions:
Hereditary cancer-predisposing syndrome. Also called: Tumor predisposition; Hereditary neoplastic syndrome; Neoplastic Syndromes, Hereditary; Hereditary Cancer Syndrome. Identifiers: Orphanet 140162, MedGen C0027672, MeSH D009386, MONDO:0015356.
BAP1-related tumor predisposition syndrome (TPDS1). Also called: TUMOR PREDISPOSITION SYNDROME 1; Tumor susceptibility linked to germline BAP1 mutations; BAP1 tumor predisposition syndrome; COMMON Syndrome. Identifiers: Orphanet 289539, MedGen C3280492, MONDO:0013692, OMIM 614327.

Submissions (2):

Ambry Genetics
Classification: Uncertain significance for Hereditary cancer-predisposing syndrome. Last evaluated: 2023-06-10. Review status: criteria provided, single submitter. Criteria: Ambry Variant Classification Scheme 2023. Collection method: clinical testing. Allele origin: germline.
Comment: The p.D672H variant (also known as c.2014G>C), located in coding exon 16 of the BAP1 gene, results from a G to C substitution at nucleotide position 2014. The aspartic acid at codon 672 is replaced by histidine, an amino acid with similar properties. This amino acid position is conserved. In addition, this alteration is predicted to be deleterious by in silico analysis. Since supporting evidence is limited at this time, the clinical significance of this alteration remains unclear.

Labcorp Genetics (formerly Invitae), Labcorp
Classification: Uncertain significance for BAP1-related tumor predisposition syndrome. Last evaluated: 2022-02-19. Review status: criteria provided, single submitter. Criteria: Invitae Variant Classification Sherloc (09022015). Collection method: clinical testing. Allele origin: germline.
Comment: In summary, the available evidence is currently insufficient to determine the role of this variant in disease. Therefore, it has been classified as a Variant of Uncertain Significance. Algorithms developed to predict the effect of missense changes on protein structure and function are either unavailable or do not agree on the potential impact of this missense change (SIFT: "Deleterious"; PolyPhen-2: "Probably Damaging"; Align-GVGD: "Class C0"). This variant has not been reported in the literature in individuals affected with BAP1-related conditions. This variant is not present in population databases (gnomAD no frequency). This sequence change replaces aspartic acid, which is acidic and polar, with histidine, which is basic and polar, at codon 672 of the BAP1 protein (p.Asp672His).

NM_004656.4(BAP1):c.2014G>C (p.Asp672His)

Gene: BAP1 (BRCA1 associated deubiquitinase 1; minus strand). Cytogenetic location: 3p21.1.
Variant type: single nucleotide variant.
Coding change: c.2014G>C on transcript NM_004656.4 (MANE Select); coding-DNA position 2014, G replaced by C.
Protein change: p.Asp672His; replaces aspartic acid 672 with histidine.
Molecular consequence: missense variant.
Genome position (GRCh38, 1-based): chr3:52,402,644, C>G on the plus strand (G>C on the coding strand, the complement: BAP1 is on the minus strand). VCF-style: chr3-52402644-C-G. GRCh37 (hg19) VCF-style: chr3-52436660-C-G.
Other names: c.1960G>C, p.Asp654His (NM_001410772.1); short protein forms D654H, D672H.
Identifiers: ClinVar variation 2177592 (VCV002177592.6), dbSNP rs144881611, ClinGen allele CA353096283.
Genomic context (GRCh38, chr3:52,402,644, plus strand): 5'-AGCAGCGCATCCCCTCACCTTCCTGAGCCAGCATGGAGATAAAGGTGCAGATGAACTCAT[C>G]GTAGTTGTGGGTCCTTCTCTGGTCATCAATCTGTAGGAGAGAAGAAGACTGAGAGCACTG-3'
Protein context (NP_004647.1, residues 662-682): IDDQRRTHNY[Asp672His]EFICTFISML